The following is an entry in ClinVar:

ClinVar aggregate classification (germline): Benign/Likely benign. Review status: criteria provided, multiple submitters, no conflicts (2 of 4 stars). 9 submissions from 9 submitters: Benign (5); Likely benign (3). 1 of the submissions does not count toward it. Last evaluated 2026-01-14.

Conditions:
LRRK2-related disorder. Also called: LRRK2-related condition.
Autosomal dominant Parkinson disease 8. Also called: LRRK2-Related Parkinson Disease; Parkinson disease 8; Parkinson disease 8, susceptibility to. Identifiers: Orphanet 411602, MedGen C1846862, MONDO:0011764, OMIM 607060.

Allele frequency attached by ClinVar (database versions not stated): 1000 Genomes Project 0.00120; 1000 Genomes Project 30x 0.00141; ESP Exome Variant Server 0.00231; TOPMed 0.00243; gnomAD 0.00252 and 0.00260; gnomAD exomes 0.00281 and 0.00322; ExAC 0.00283.
gnomAD v4.1: 5,094 of 1,610,342 alleles (0.32%); highest among the groups gnomAD compares: Middle Eastern, 1.8%; 21 homozygotes.

Submissions (9):

Labcorp Genetics (formerly Invitae), Labcorp
Classification: Benign for Autosomal dominant Parkinson disease 8. Last evaluated: 2026-01-14. Review status: criteria provided, single submitter. Criteria: Invitae Variant Classification Sherloc (09022015). Collection method: clinical testing. Allele origin: germline.

Blueprint Genetics
Classification: Likely benign. Last evaluated: 2024-11-25. Review status: criteria provided, single submitter. Criteria: ACMG Guidelines, 2015. Collection method: clinical testing. Allele origin: germline.

Mayo Clinic Laboratories, Mayo Clinic
Classification: Benign. Last evaluated: 2023-07-08. Review status: criteria provided, single submitter. Criteria: ACMG Guidelines, 2015. Collection method: clinical testing. Allele origin: germline. Observed: 4 variant alleles.
Comment: BA1, BP4, BP7

Fulgent Genetics
Classification: Likely benign for Autosomal dominant Parkinson disease 8. Last evaluated: 2021-07-28. Review status: criteria provided, single submitter. Criteria: ACMG Guidelines, 2015. Collection method: clinical testing. Allele origin: unknown.

GeneDx
Classification: Benign. Last evaluated: 2018-12-11. Review status: criteria provided, single submitter. Criteria: GeneDx Variant Classification Process June 2021. Collection method: clinical testing. Allele origin: germline. Affected: yes.

Illumina Laboratory Services, Illumina
Classification: Benign for Autosomal dominant Parkinson disease 8. Last evaluated: 2018-01-12. Review status: criteria provided, single submitter. Criteria: ICSL Variant Classification Criteria 13 December 2019. Collection method: clinical testing. Allele origin: germline.
Comment: This variant was observed in the ICSL laboratory as part of a predisposition screen in an ostensibly healthy population. It had not been previously curated by ICSL or reported in the Human Gene Mutation Database (HGMD: prior to June 1st, 2018), and was therefore a candidate for classification through an automated scoring system. Utilizing variant allele frequency, disease prevalence and penetrance estimates, and inheritance mode, an automated score was calculated to assess if this variant is too frequent to cause the disease. Based on the score and internal cut-off values, a variant classified as benign is not then subjected to further curation. The score for this variant resulted in a classification of benign for this disease.

Athena Diagnostics
Classification: Benign. Last evaluated: 2016-12-02. Review status: criteria provided, single submitter. Criteria: Athena Diagnostics Criteria. Collection method: clinical testing. Allele origin: germline.

Breakthrough Genomics
Classification: Likely benign. Review status: criteria provided, single submitter. Criteria: ACMG Guidelines, 2015. Collection method: not provided. Allele origin: germline. Inheritance: Autosomal dominant inheritance. Affected: yes.

PreventionGenetics, part of Exact Sciences
Classification: Benign for LRRK2-related condition. Last evaluated: 2019-12-18. Review status: no assertion criteria provided. Collection method: clinical testing. Allele origin: germline. Not counted in ClinVar's aggregate classification.
Comment: This variant is classified as benign based on ACMG/AMP sequence variant interpretation guidelines (Richards et al. 2015 PMID: 25741868, with internal and published modifications).

Literature cited by the submitters: PubMed 19357115 (cited by Athena Diagnostics).

NM_198578.4(LRRK2):c.5510-9A>G

Gene: LRRK2 (leucine rich repeat kinase 2; plus strand). Cytogenetic location: 12q12.
Variant type: single nucleotide variant.
Coding change: c.5510-9A>G on transcript NM_198578.4 (MANE Select); 9 bases into the intron before coding-DNA position 5510, A replaced by G.
Molecular consequence: intron variant.
Genome position (GRCh38, 1-based): chr12:40,323,151, A>G. VCF-style: chr12-40323151-A-G. GRCh37 (hg19) VCF-style: chr12-40716953-A-G.
Other names: p.?.
Identifiers: ClinVar variation 308639 (VCV000308639.23), dbSNP rs41286460, ClinGen allele CA6514472.